The following is an entry in ClinVar:

NM_001199107.2(TBC1D24):c.1633A>C (p.Ile545Leu)

Gene: TBC1D24 (TBC1 domain family member 24; plus strand). Cytogenetic location: 16p13.3.
Variant type: single nucleotide variant.
Coding change: c.1633A>C on transcript NM_001199107.2 (MANE Select); coding-DNA position 1633, A replaced by C.
Protein change: p.Ile545Leu; replaces isoleucine 545 with leucine.
Molecular consequence: missense variant.
Genome position (GRCh38, 1-based): chr16:2,500,911, A>C. VCF-style: chr16-2500911-A-C. GRCh37 (hg19) VCF-style: chr16-2550912-A-C.
Other names: c.1615A>C, p.Ile539Leu (NM_020705.3); short protein forms I539L, I545L.
Identifiers: ClinVar variation 4085611 (VCV004085611.8).

ClinVar aggregate classification (germline): Uncertain significance (1 of 4 stars; one submission).

Submission:

CeGaT Center for Human Genetics Tuebingen
Classification: Uncertain significance. Last evaluated: 2025-07-01. Review status: criteria provided, single submitter. Criteria: CeGaT Center For Human Genetics Tuebingen Variant Classification Criteria Version 2. Collection method: clinical testing. Allele origin: germline. Affected: yes. Observed: 1 variant allele.
Comment: TBC1D24: PM2, BP4